The following is an entry in ClinVar:

ClinVar aggregate classification (germline): Conflicting classifications of pathogenicity. Review status: criteria provided, conflicting classifications (1 of 4 stars). 11 submissions from 11 submitters: Uncertain significance (1); Likely benign (8). 2 of the submissions do not count toward it. Last evaluated 2026-09-01.

Conditions:
Inborn genetic diseases. Identifiers: MedGen C0950123, MeSH D030342.
LITAF-related disorder. Also called: LITAF-related condition.
Charcot-Marie-Tooth disease. Also called: Charcot-Marie-Tooth Neuropathy; Charcot-Marie-Tooth Hereditary Neuropathy. Identifiers: Orphanet 166, MedGen C0007959, MONDO:0015626.
Charcot-Marie-Tooth disease type 1C. Also called: CHARCOT-MARIE-TOOTH DISEASE, DEMYELINATING, TYPE 1C; Charcot-Marie-Tooth disease, type IC; CMT, SLOW NERVE CONDUCTION TYPE C; HMSN IC; CHARCOT-MARIE-TOOTH NEUROPATHY, TYPE 1C; NEUROPATHY, HEREDITARY MOTOR AND SENSORY, TYPE IC. Identifiers: Orphanet 101083, MedGen C0270913, MONDO:0010995, OMIM 601098.

Allele frequency attached by ClinVar (database versions not stated): ESP Exome Variant Server 0.00015; ExAC 0.00023; gnomAD exomes 0.00023 and 0.00028; TOPMed 0.00024; gnomAD 0.00029 and 0.00031.
gnomAD v4.1: 455 of 1,614,086 alleles (0.028%); highest among the groups gnomAD compares: Non-Finnish European, 0.037%; no homozygotes.

Submissions (11):

CeGaT Center for Human Genetics Tuebingen
Classification: Likely benign. Last evaluated: 2026-09-01. Review status: criteria provided, single submitter. Criteria: CeGaT Center For Human Genetics Tuebingen Variant Classification Criteria Version 2. Collection method: clinical testing. Allele origin: germline. Affected: yes. Observed: 10 variant alleles.
Comment: LITAF: BS2

Labcorp Genetics (formerly Invitae), Labcorp
Classification: Likely benign for Charcot-Marie-Tooth disease type 1C. Last evaluated: 2026-01-08. Review status: criteria provided, single submitter. Criteria: Invitae Variant Classification Sherloc (09022015). Collection method: clinical testing. Allele origin: germline.

PreventionGenetics, part of Exact Sciences
Classification: Likely benign for LITAF-related condition. Last evaluated: 2025-07-30. Review status: criteria provided, single submitter. Criteria: ACMG Guidelines, 2015. Collection method: clinical testing. Allele origin: germline.
Comment: This variant is classified as likely benign based on ACMG/AMP sequence variant interpretation guidelines (Richards et al. 2015 PMID: 25741868, with internal and published modifications).

Mayo Clinic Laboratories, Mayo Clinic
Classification: Likely benign. Last evaluated: 2025-05-28. Review status: criteria provided, single submitter. Criteria: ACMG Guidelines, 2015. Collection method: clinical testing. Allele origin: germline. Observed: 3 variant alleles.
Comment: BS2, BP4

Laboratory of Genetics, Children's Clinical University Hospital Latvia
Classification: Likely benign. Last evaluated: 2025-02-16. Review status: criteria provided, single submitter. Criteria: ACMG Guidelines, 2015. Collection method: clinical testing. Allele origin: germline. Affected: yes.

GeneDx
Classification: Likely benign. Last evaluated: 2021-01-21. Review status: criteria provided, single submitter. Criteria: GeneDx Variant Classification Process June 2021. Collection method: clinical testing. Allele origin: germline. Affected: yes.
Comment: See Variant Classification Assertion Criteria.

Ambry Genetics
Classification: Likely benign for Inborn genetic diseases. Last evaluated: 2020-06-18. Review status: criteria provided, single submitter. Criteria: Ambry Variant Classification Scheme 2023. Collection method: clinical testing. Allele origin: germline.

Illumina Laboratory Services, Illumina
Classification: Likely benign for Charcot-Marie-Tooth disease type 1C. Last evaluated: 2018-01-12. Review status: criteria provided, single submitter. Criteria: ICSL Variant Classification Criteria 13 December 2019. Collection method: clinical testing. Allele origin: germline.
Comment: This variant was observed in the ICSL laboratory as part of a predisposition screen in an ostensibly healthy population. It had not been previously curated by ICSL or reported in the Human Gene Mutation Database (HGMD: prior to June 1st, 2018), and was therefore a candidate for classification through an automated scoring system. Utilizing variant allele frequency, disease prevalence and penetrance estimates, and inheritance mode, an automated score was calculated to assess if this variant is too frequent to cause the disease. Based on the score and internal cut-off values, a variant classified as likely benign is not then subjected to further curation. The score for this variant resulted in a classification of likely benign for this disease.

Molecular Genetics Laboratory, London Health Sciences Centre
Classification: Uncertain significance for Charcot-Marie-Tooth disease. Review status: criteria provided, single submitter. Criteria: ACMG Guidelines, 2015. Collection method: clinical testing. Allele origin: germline. Affected: yes.

Clinical Genetics, Academic Medical Center
Classification: Uncertain significance. Review status: no assertion criteria provided. Collection method: clinical testing. Allele origin: germline. Affected: yes. Study: VKGL Data-share Consensus. Not counted in ClinVar's aggregate classification.

Genome Diagnostics Laboratory, Amsterdam University Medical Center
Classification: Uncertain significance. Review status: no assertion criteria provided. Collection method: clinical testing. Allele origin: germline. Affected: yes. Study: VKGL Data-share Consensus. Not counted in ClinVar's aggregate classification.

Literature cited by the submitters: PubMed 32376792 (cited by Mayo Clinic Laboratories, Mayo Clinic).

NM_001136472.2(LITAF):c.44C>T (p.Ser15Leu)

Gene: LITAF (lipopolysaccharide induced TNF factor; minus strand). Cytogenetic location: 16p13.13.
Variant type: single nucleotide variant.
Coding change: c.44C>T on transcript NM_001136472.2 (MANE Select); coding-DNA position 44, C replaced by T.
Protein change: p.Ser15Leu; replaces serine 15 with leucine.
Molecular consequence: missense variant. On other transcripts: non-coding transcript variant (1).
Genome position (GRCh38, 1-based): chr16:11,556,687, G>A on the plus strand (C>T on the coding strand, the complement: LITAF is on the minus strand). VCF-style: chr16-11556687-G-A. GRCh37 (hg19) VCF-style: chr16-11650543-G-A.
Other names: p.Ser15Leu; c.44C>T, p.Ser15Leu (NM_001136473.1, NM_004862.4); short protein forms S15L.
Identifiers: ClinVar variation 317789 (VCV000317789.58), dbSNP rs138041990, ClinGen allele CA7904196.
Genomic context (GRCh38, chr16:11,556,687, plus strand): 5'-GTGGGGTAATAACTGTTAACAGCCACTGTCTCTTCATAGGATGGAGGTGCGGATGGTGCT[G>A]AGGAAGGCCCAGTGGCCGCCTGGTAAGGTCCTGGAACCGACATTTTACCTAAAACAGAAA-3'
Protein context (NP_001129944.1, residues 5-25): GPYQAATGPS[Ser15Leu]APSAPPSYEE